The following is an entry in ClinVar:

ClinVar aggregate classification (germline): Uncertain significance. Review status: criteria provided, multiple submitters, no conflicts (2 of 4 stars). 4 submissions from 4 submitters: Uncertain significance (4). Last evaluated 2025-10-14.

Conditions:
Inborn genetic diseases. Identifiers: MedGen C0950123, MeSH D030342.
Optic neuropathy. Also called: Optic nerve disorder. Identifiers: MedGen C3887709, MONDO:0002135, HP:0001138.

gnomAD v4.1: 12 of 1,612,904 alleles (0.00074%); highest among the groups gnomAD compares: African/African-American, 0.0013%; no homozygotes.

Submissions (4):

Ambry Genetics
Classification: Uncertain significance for Inborn genetic diseases. Last evaluated: 2025-10-14. Review status: criteria provided, single submitter. Criteria: Ambry Variant Classification Scheme 2023. Collection method: clinical testing. Allele origin: germline.

Genetics Laboratory, Great Ormond Street Hospital NHS Foundation Trust, North Thames Genomic Laboratory Hub
Classification: Uncertain significance for Optic neuropathy. Last evaluated: 2025-10-07. Review status: criteria provided, single submitter. Criteria: ACGS Best Practice Guidelines for Variant Classification in Rare Disease 2024 v1.2. Collection method: clinical testing. Allele origin: germline. Affected: yes.
Comment: PM2_moderate, PP3_supporting, PM3_moderate

Labcorp Genetics (formerly Invitae), Labcorp
Classification: Uncertain significance. Last evaluated: 2025-04-26. Review status: criteria provided, single submitter. Criteria: Invitae Variant Classification Sherloc (09022015). Collection method: clinical testing. Allele origin: germline.
Comment: This sequence change replaces threonine, which is neutral and polar, with asparagine, which is neutral and polar, at codon 686 of the WFS1 protein (p.Thr686Asn). This variant is present in population databases (rs762044038, gnomAD 0.002%). This variant has not been reported in the literature in individuals affected with WFS1-related conditions. ClinVar contains an entry for this variant (Variation ID: 2421395). Invitae Evidence Modeling of protein sequence and biophysical properties (such as structural, functional, and spatial information, amino acid conservation, physicochemical variation, residue mobility, and thermodynamic stability) indicates that this missense variant is expected to disrupt WFS1 protein function with a positive predictive value of 80%. In summary, the available evidence is currently insufficient to determine the role of this variant in disease. Therefore, it has been classified as a Variant of Uncertain Significance.

GeneDx
Classification: Uncertain significance. Last evaluated: 2024-10-31. Review status: criteria provided, single submitter. Criteria: GeneDx Variant Classification Process June 2021. Collection method: clinical testing. Allele origin: germline. Affected: yes.
Comment: Not observed at significant frequency in large population cohorts (gnomAD); In silico analysis supports that this missense variant has a deleterious effect on protein structure/function; Has not been previously published as pathogenic or benign to our knowledge

NM_006005.3(WFS1):c.2057C>A (p.Thr686Asn)

Gene: WFS1 (wolframin ER transmembrane glycoprotein; plus strand). Cytogenetic location: 4p16.1.
Variant type: single nucleotide variant.
Coding change: c.2057C>A on transcript NM_006005.3 (MANE Select); coding-DNA position 2057, C replaced by A.
Protein change: p.Thr686Asn; replaces threonine 686 with asparagine.
Molecular consequence: missense variant.
Genome position (GRCh38, 1-based): chr4:6,301,852, C>A. VCF-style: chr4-6301852-C-A. GRCh37 (hg19) VCF-style: chr4-6303579-C-A.
Other names: c.2057C>A, p.Thr686Asn (NM_001145853.1); short protein forms T686N.
Identifiers: ClinVar variation 2421395 (VCV002421395.9), dbSNP rs762044038, ClinGen allele CA2839585.